The following is an entry in ClinVar:

ClinVar aggregate classification (germline): Uncertain significance (1 of 4 stars; one submission).

Conditions:
FG syndrome (FGS). Identifiers: MedGen C0220769, MONDO:0002010.

Allele frequency attached by ClinVar (database versions not stated): gnomAD exomes below 0.00001.
gnomAD v4.1: 1 of 1,131,126 alleles (0.000088%); highest among the groups gnomAD compares: Non-Finnish European, 0.00012%; no homozygotes.

Submission:

Labcorp Genetics (formerly Invitae), Labcorp
Classification: Uncertain significance for FG syndrome. Last evaluated: 2022-04-19. Review status: criteria provided, single submitter. Criteria: Invitae Variant Classification Sherloc (09022015). Collection method: clinical testing. Allele origin: germline.
Comment: This variant has not been reported in the literature in individuals affected with MED12-related conditions. This variant is not present in population databases (gnomAD no frequency). This sequence change replaces serine, which is neutral and polar, with alanine, which is neutral and non-polar, at codon 1574 of the MED12 protein (p.Ser1574Ala). Advanced modeling of protein sequence and biophysical properties (such as structural, functional, and spatial information, amino acid conservation, physicochemical variation, residue mobility, and thermodynamic stability) performed at Invitae indicates that this missense variant is not expected to disrupt MED12 protein function. In summary, the available evidence is currently insufficient to determine the role of this variant in disease. Therefore, it has been classified as a Variant of Uncertain Significance.

NM_005120.3(MED12):c.4720T>G (p.Ser1574Ala)

Gene: MED12 (mediator complex subunit 12; plus strand). Cytogenetic location: Xq13.1.
Variant type: single nucleotide variant.
Coding change: c.4720T>G on transcript NM_005120.3 (MANE Select); coding-DNA position 4720, T replaced by G.
Protein change: p.Ser1574Ala; replaces serine 1574 with alanine.
Molecular consequence: missense variant.
Genome position (GRCh38, 1-based): chrX:71,134,459, T>G. VCF-style: chrX-71134459-T-G. GRCh37 (hg19) VCF-style: chrX-70354309-T-G.
Other names: short protein forms S1574A.
Identifiers: ClinVar variation 2113665 (VCV002113665.4), dbSNP rs2519706630, ClinGen allele CA413531907.